The following is an entry in ClinVar:

NM_000540.3(RYR1):c.7028-10G>A

Gene: RYR1 (ryanodine receptor 1; plus strand). Cytogenetic location: 19q13.2.
Variant type: single nucleotide variant.
Coding change: c.7028-10G>A on transcript NM_000540.3 (MANE Select); 10 bases into the intron before coding-DNA position 7028, G replaced by A.
Molecular consequence: intron variant.
Genome position (GRCh38, 1-based): chr19:38,499,625, G>A. VCF-style: chr19-38499625-G-A. GRCh37 (hg19) VCF-style: chr19-38990265-G-A.
Other names: c.7028-10G>A (NM_001042723.2).
Identifiers: ClinVar variation 450762 (VCV000450762.19), dbSNP rs1005260620, ClinGen allele CA308107735.
Genomic context (GRCh38, chr19:38,499,625, plus strand): 5'-GTCCTGGGGCTGCATGGGGAGGTCTCTGATGGTGGCTCATGAGACCCCCTTTCCCCATGC[G>A]GGTGGCCAGGCGAGAGCGTGGAGGAGAACGCCAATGTGGTGGTGCGGCTGCTCATCCGGA-3'

ClinVar aggregate classification (germline): Uncertain significance. Review status: criteria provided, multiple submitters, no conflicts (2 of 4 stars). 5 submissions from 5 submitters: Uncertain significance (5). Last evaluated 2025-07-13.

Conditions:
RYR1-related disorder. Also called: RYR1-related condition; RYR1-related disorders. Identifiers: MedGen CN239331.
Malignant hyperthermia, susceptibility to, 1 (MHS1). Also called: RYR1-Related Malignant Hyperthermia Susceptibility; Malignant hyperthermia suceptibility 1; Anesthesia related hyperthermia; Malignant hyperpyrexia; Fulminating hyperpyrexia; Pharmacogenic myopathy. Identifiers: Orphanet 423, MedGen C2930980, MONDO:0007783, OMIM 145600.

Allele frequency attached by ClinVar (database versions not stated): gnomAD 0.00001; gnomAD exomes 0.00001 and 0.00002; TOPMed 0.00002.
gnomAD v4.1: 9 of 1,597,186 alleles (0.00056%); highest among the groups gnomAD compares: Admixed American, 0.005%; no homozygotes.

Submissions (5):

Labcorp Genetics (formerly Invitae), Labcorp
Classification: Uncertain significance for RYR1-related disorder. Last evaluated: 2025-07-13. Review status: criteria provided, single submitter. Criteria: Invitae Variant Classification Sherloc (09022015). Collection method: clinical testing. Allele origin: germline.
Comment: This sequence change falls in intron 43 of the RYR1 gene. It does not directly change the encoded amino acid sequence of the RYR1 protein. This variant is present in population databases (no rsID available, gnomAD 0.009%). This variant has been observed in individual(s) with myopathy (PMID: 34440373). ClinVar contains an entry for this variant (Variation ID: 450762). Algorithms developed to predict the effect of sequence changes on RNA splicing suggest that this variant may disrupt the consensus splice site. In summary, the available evidence is currently insufficient to determine the role of this variant in disease. Therefore, it has been classified as a Variant of Uncertain Significance.

Color Diagnostics, LLC DBA Color Health
Classification: Uncertain significance for Malignant hyperthermia, susceptibility to, 1. Last evaluated: 2023-11-21. Review status: criteria provided, single submitter. Criteria: ACMG Guidelines, 2015. Collection method: clinical testing. Allele origin: germline.
Comment: This variant causes a G to A nucleotide substitution at the -10 position of intron 43/105 of the RYR1 gene. To our knowledge, functional studies have not been reported for this variant. This variant has been reported in an individual who carried two other variants in the genes associated with malignant hyperthermia susceptibility (PMID: 31559918) and in an individual affected with myopathy (PMID: 32236737). This variant has been identified in 5/268194 chromosomes in the general population by the Genome Aggregation Database (gnomAD). The available evidence is insufficient to determine the role of this variant in disease conclusively. Therefore, this variant is classified as a Variant of Uncertain Significance.

GeneDx
Classification: Uncertain significance. Last evaluated: 2022-05-16. Review status: criteria provided, single submitter. Criteria: GeneDx Variant Classification Process June 2021. Collection method: clinical testing. Allele origin: germline. Affected: yes.
Comment: Has not been previously published as pathogenic or benign to our knowledge; In silico analysis supports a deleterious effect on splicing

Mayo Clinic Laboratories, Mayo Clinic
Classification: Uncertain significance. Last evaluated: 2020-08-17. Review status: criteria provided, single submitter. Criteria: ACMG Guidelines, 2015. Collection method: clinical testing. Allele origin: germline. Observed: 1 variant allele.

PreventionGenetics, part of Exact Sciences
Classification: Uncertain significance. Last evaluated: 2017-10-20. Review status: criteria provided, single submitter. Criteria: ACMG Guidelines, 2015. Collection method: clinical testing. Allele origin: germline.

Literature cited by the submitters: PubMed 34440373 (cited by Labcorp Genetics (formerly Invitae), Labcorp); PubMed 31559918 (cited by Color Diagnostics, LLC DBA Color Health); PubMed 32236737 (cited by Color Diagnostics, LLC DBA Color Health).